The following is an entry in ClinVar:

ClinVar aggregate classification (germline): Uncertain significance. Review status: criteria provided, multiple submitters, no conflicts (2 of 4 stars). 3 submissions from 3 submitters: Uncertain significance (3). Last evaluated 2025-08-14.

Conditions:
Inborn genetic diseases. Identifiers: MedGen C0950123, MeSH D030342.

Allele frequency attached by ClinVar (database versions not stated): gnomAD exomes 0.00001 and 0.00002; ExAC 0.00002; gnomAD 0.00002 and 0.00003; TOPMed 0.00003; 1000 Genomes Project 30x 0.00016; 1000 Genomes Project 0.00020.
gnomAD v4.1: 16 of 1,613,924 alleles (0.00099%); highest among the groups gnomAD compares: Admixed American, 0.012%; no homozygotes.

Submissions (3):

GeneDx
Classification: Uncertain significance. Last evaluated: 2025-08-14. Review status: criteria provided, single submitter. Criteria: GeneDx Variant Classification Process June 2021. Collection method: clinical testing. Allele origin: germline. Affected: yes.
Comment: In silico analysis suggests that this missense variant does not alter protein structure/function; Has not been previously published as pathogenic or benign to our knowledge

Ambry Genetics
Classification: Uncertain significance for Inborn genetic diseases. Last evaluated: 2025-08-06. Review status: criteria provided, single submitter. Criteria: Ambry Variant Classification Scheme 2023. Collection method: clinical testing. Allele origin: germline.

Labcorp Genetics (formerly Invitae), Labcorp
Classification: Uncertain significance. Last evaluated: 2025-06-27. Review status: criteria provided, single submitter. Criteria: Invitae Variant Classification Sherloc (09022015). Collection method: clinical testing. Allele origin: germline.
Comment: This sequence change replaces alanine, which is neutral and non-polar, with valine, which is neutral and non-polar, at codon 725 of the NALCN protein (p.Ala725Val). This variant is present in population databases (rs202136771, gnomAD 0.01%). This variant has not been reported in the literature in individuals affected with NALCN-related conditions. ClinVar contains an entry for this variant (Variation ID: 1315016). Invitae Evidence Modeling of protein sequence and biophysical properties (such as structural, functional, and spatial information, amino acid conservation, physicochemical variation, residue mobility, and thermodynamic stability) indicates that this missense variant is not expected to disrupt NALCN protein function with a negative predictive value of 80%. In summary, the available evidence is currently insufficient to determine the role of this variant in disease. Therefore, it has been classified as a Variant of Uncertain Significance.

NM_052867.4(NALCN):c.2174C>T (p.Ala725Val)

Gene: NALCN (sodium leak channel, non-selective; minus strand). Cytogenetic location: 13q33.1.
Variant type: single nucleotide variant.
Coding change: c.2174C>T on transcript NM_052867.4 (MANE Select); coding-DNA position 2174, C replaced by T.
Protein change: p.Ala725Val; replaces alanine 725 with valine.
Molecular consequence: missense variant.
Genome position (GRCh38, 1-based): chr13:101,124,626, G>A on the plus strand (C>T on the coding strand, the complement: NALCN is on the minus strand). VCF-style: chr13-101124626-G-A. GRCh37 (hg19) VCF-style: chr13-101776977-G-A.
Other names: c.2174C>T, p.Ala725Val (NM_001350748.2, NM_001350749.2); c.2087C>T, p.Ala696Val (NM_001350750.2, NM_001350751.2); short protein forms A696V, A725V.
Identifiers: ClinVar variation 1315016 (VCV001315016.9), dbSNP rs202136771, ClinGen allele CA7035900.
Genomic context (GRCh38, chr13:101,124,626, plus strand): 5'-CCCACTTGTGTTTAAATATGTGTCAACATTAATTGGTGTTACCTTAAGATTTTAGTGACT[G>A]CGGTCTCCTTTTCCAGAAGGTTCCTTGCCCTGATGCTGAAAACAGACTTGCGAAGCTGAA-3'
Protein context (NP_443099.1, residues 715-735): RARNLLEKET[Ala725Val]VTKILRACTR